The following is an entry in ClinVar:

NM_003002.4(SDHD):c.314+1638G>T

Gene: SDHD (succinate dehydrogenase complex subunit D; plus strand). Cytogenetic location: 11q23.1.
Variant type: single nucleotide variant.
Coding change: c.314+1638G>T on transcript NM_003002.4 (MANE Select); 1638 bases into the intron after coding-DNA position 314, G replaced by T.
Molecular consequence: intron variant.
Genome position (GRCh38, 1-based): chr11:112,090,649, G>T. VCF-style: chr11-112090649-G-T. GRCh37 (hg19) VCF-style: chr11-111961373-G-T.
Other names: c.314+1638G>T (NM_001276506.2); c.169+2676G>T (NM_001276503.2); c.197+1638G>T (NM_001276504.2).
Identifiers: ClinVar variation 3760005 (VCV003760005.2).

ClinVar aggregate classification (germline): Uncertain significance (1 of 4 stars; one submission).

Conditions:
Pheochromocytoma. Also called: MAX-Related Hereditary Paraganglioma-Pheochromocytoma Syndrome. Identifiers: Orphanet 29072, MedGen C0031511, MONDO:0008233, OMIM 171300, HP:0002666.
Cowden syndrome 3 (CWS3). Identifiers: Orphanet 201, MedGen CN166604, MONDO:0014045.
Carney-Stratakis syndrome. Also called: PARAGANGLIOMA AND GASTROINTESTINAL STROMAL TUMOR. Identifiers: Orphanet 97286, MedGen C1847319, MONDO:0011740, OMIM 606864.
Paragangliomas with sensorineural hearing loss. Identifiers: MedGen C1868633.

Submission:

Labcorp Genetics (formerly Invitae), Labcorp
Classification: Uncertain significance for Carney-Stratakis syndrome; Paragangliomas with sensorineural hearing loss; Pheochromocytoma; Cowden syndrome 3. Last evaluated: 2024-12-09. Review status: criteria provided, single submitter. Criteria: Invitae Variant Classification Sherloc (09022015). Collection method: clinical testing. Allele origin: germline.
Comment: This sequence change falls in intron 3 of the SDHD gene. It does not directly change the encoded amino acid sequence of the SDHD protein. RNA analysis indicates that this variant induces altered splicing and may result in an absent or altered protein product. This variant is present in population databases (no rsID available, gnomAD 0.01%). This variant has not been reported in the literature in individuals affected with SDHD-related conditions. Studies have shown that this variant results in activation of a cryptic splice site, and produces a non-functional protein and/or introduces a premature termination codon (internal data). In summary, the available evidence is currently insufficient to determine the role of this variant in disease. Therefore, it has been classified as a Variant of Uncertain Significance.